The following is an entry in ClinVar:

ClinVar aggregate classification (germline): Conflicting classifications of pathogenicity. Review status: criteria provided, conflicting classifications (1 of 4 stars). 2 submissions from 2 submitters: Uncertain significance (1); Likely benign (1). Last evaluated 2025-10-13.

Conditions:
Duchenne muscular dystrophy (DMD). Also called: MUSCULAR DYSTROPHY, PSEUDOHYPERTROPHIC PROGRESSIVE, DUCHENNE TYPE; Duchenne Muscular Dystrophy (DMD). Identifiers: Orphanet 98896, MedGen C0013264, MONDO:0010679, OMIM 310200.
Cardiovascular phenotype. Identifiers: MedGen CN230736.

Allele frequency attached by ClinVar (database versions not stated): gnomAD exomes below 0.00001.
gnomAD v4.1: 2 of 1,207,886 alleles (0.00017%); highest among the groups gnomAD compares: Non-Finnish European, 0.00022%; no homozygotes.

Submissions (2):

Labcorp Genetics (formerly Invitae), Labcorp
Classification: Likely benign for Duchenne muscular dystrophy. Last evaluated: 2025-10-13. Review status: criteria provided, single submitter. Criteria: Invitae Variant Classification Sherloc (09022015). Collection method: clinical testing. Allele origin: germline.

Ambry Genetics
Classification: Uncertain significance for Cardiovascular phenotype. Last evaluated: 2025-01-13. Review status: criteria provided, single submitter. Criteria: Ambry Variant Classification Scheme 2023. Collection method: clinical testing. Allele origin: germline.
Comment: The c.9164-5T>A intronic variant results from a T to A substitution 5 nucleotides upstream from coding exon 62 in the DMD gene. This nucleotide position is not well conserved in available vertebrate species. In silico splice site analysis for this alteration is inconclusive. Based on the available evidence, the clinical significance of this variant remains unclear.

NM_004006.3(DMD):c.9164-5T>A

Gene: DMD (dystrophin; minus strand). Cytogenetic location: Xp21.2.
Variant type: single nucleotide variant.
Coding change: c.9164-5T>A on transcript NM_004006.3 (MANE Select); 5 bases into the intron before coding-DNA position 9164, T replaced by A.
Molecular consequence: intron variant.
Genome position (GRCh38, 1-based): chrX:31,323,663, A>T on the plus strand (T>A on the coding strand, the complement: DMD is on the minus strand). VCF-style: chrX-31323663-A-T. GRCh37 (hg19) VCF-style: chrX-31341780-A-T.
Other names: c.9140-5T>A (NM_000109.4); c.5141-5T>A (NM_004011.4); c.5132-5T>A (NM_004012.4); c.1784-5T>A (NM_004023.3, NM_004020.4, NM_004022.3 and 2 more transcripts); c.977-5T>A (NM_004014.3); c.9152-5T>A (NM_004009.3); c.8795-5T>A (NM_004010.3); c.9164-5T>A (NM_004006.2).
Identifiers: ClinVar variation 3001858 (VCV003001858.4), dbSNP rs2520425612, ClinGen allele CA2579578817.